The following is an entry in ClinVar:

ClinVar aggregate classification (germline): Uncertain significance. Review status: reviewed by expert panel (3 of 4 stars). 2 submissions from 2 submitters: Uncertain significance (1). 1 of the submissions does not count toward it. Last evaluated 2025-05-02.

Conditions:
Hereditary thrombocytopenia and hematologic cancer predisposition syndrome. Identifiers: Orphanet 71290, MedGen CN281654, MONDO:0011071.
Hereditary thrombocytopenia and hematological cancer predisposition syndrome associated with RUNX1. Also called: Familial Platelet Disorder with Propensity to Acute Myelogenous Leukemia; Familial thrombocytopenia with propensity to acute myelogenous leukemia; PLATELET DISORDER, ASPIRIN-LIKE; RUNX1 Familial Platelet Disorder with Associated Myeloid Malignancies. Identifiers: Orphanet 71290, MedGen C1832388, MeSH C563324, MONDO:0100083, OMIM 601399.

Submissions (2):

ClinGen Myeloid Malignancy Variant Curation Expert Panel
Classification: Uncertain significance for Hereditary thrombocytopenia and hematologic cancer predisposition syndrome. Last evaluated: 2025-05-02. Review status: reviewed by expert panel. Criteria: ClinGen MyeloMalig ACMG Specifications v2. Collection method: curation. Allele origin: germline. Inheritance: Autosomal dominant inheritance.
Comment: NM_001754.5(RUNX1):c.1142T>C (p.Leu381Pro) is a missense variant which has not been reported in any populations featured in any version of gnomAD, allowing for application of PM2_Supporting. This variant has a SpliceAI score of 0 and a REVEL score of 0.929, but neither BP4 nor PP3 were applied. In summary, this variant meets criteria to be classified as a variant of uncertain significance. ACMG/AMP criteria applied, as specified by the Myeloid Malignancy Variant Curation Expert Panel for RUNX1: PM2_Supporting.

Labcorp Genetics (formerly Invitae), Labcorp
Classification: Uncertain significance for Hereditary thrombocytopenia and hematological cancer predisposition syndrome associated with RUNX1. Last evaluated: 2024-02-11. Review status: criteria provided, single submitter. Criteria: Invitae Variant Classification Sherloc (09022015). Collection method: clinical testing. Allele origin: germline. Not counted in ClinVar's aggregate classification.
Comment: This sequence change replaces leucine, which is neutral and non-polar, with proline, which is neutral and non-polar, at codon 381 of the RUNX1 protein (p.Leu381Pro). This variant is not present in population databases (gnomAD no frequency). This variant has not been reported in the literature in individuals affected with RUNX1-related conditions. Advanced modeling of protein sequence and biophysical properties (such as structural, functional, and spatial information, amino acid conservation, physicochemical variation, residue mobility, and thermodynamic stability) has been performed at Invitae for this missense variant, however the output from this modeling did not meet the statistical confidence thresholds required to predict the impact of this variant on RUNX1 protein function. In summary, the available evidence is currently insufficient to determine the role of this variant in disease. Therefore, it has been classified as a Variant of Uncertain Significance.

NM_001754.5(RUNX1):c.1142T>C (p.Leu381Pro)

Gene: RUNX1 (RUNX family transcription factor 1; minus strand). Cytogenetic location: 21q22.12.
Variant type: single nucleotide variant.
Coding change: c.1142T>C on transcript NM_001754.5 (MANE Select); coding-DNA position 1142, T replaced by C.
Protein change: p.Leu381Pro; replaces leucine 381 with proline.
Molecular consequence: missense variant.
Genome position (GRCh38, 1-based): chr21:34,792,436, A>G on the plus strand (T>C on the coding strand, the complement: RUNX1 is on the minus strand). VCF-style: chr21-34792436-A-G. GRCh37 (hg19) VCF-style: chr21-36164733-A-G.
Other names: NM_001754.5(RUNX1):c.1142T>C; p.Leu381Pro; c.1061T>C, p.Leu354Pro (NM_001001890.3); short protein forms L354P, L381P.
Identifiers: ClinVar variation 3677909 (VCV003677909.3).
Genomic context (GRCh38, chr21:34,792,436, plus strand): 5'-GGCGAGCTGGCTTGGAACGGGCCTCCCTGCGCTTGCGACGAGCCGGGGTAGGGCGGCGGC[A>G]GGTAGGTGTGGTAGCGCGTGGCCGAGCCCATGGCCGACATGCCGATGCCGATGCCCGAGG-3'
Protein context (NP_001745.2, residues 371-391): MGSATRYHTY[Leu381Pro]PPPYPGSSQA